The following is an entry in ClinVar:

NM_005853.6(IRX5):c.1362_1368delinsGT (p.Lys455fs)

Gene: IRX5 (iroquois homeobox 5; plus strand). Cytogenetic location: 16q12.2.
Variant type: Indel.
Coding change: c.1362_1368delinsGT on transcript NM_005853.6 (MANE Select); coding-DNA positions 1362 to 1368, TAAAGAC replaced by GT.
Protein change: p.Lys455fs; shifts the reading frame from lysine 455.
Molecular consequence: frameshift variant.
Genome position (GRCh38, 1-based): chr16:54,933,783-54,933,789, TAAAGAC replaced by GT. VCF-style: chr16-54933783-TAAAGAC-GT. GRCh37 (hg19) VCF-style: chr16-54967695-TAAAGAC-GT.
Other names: c.1359_1365delinsGT, p.Lys454fs (NM_001252197.1); short protein forms K455fs, K454fs.
Identifiers: ClinVar variation 374379 (VCV000374379.1), dbSNP rs1057518725, ClinGen allele CA16043689.

ClinVar aggregate classification (germline): Pathogenic (0 of 4 stars; one submission).

Conditions:
Craniofacial dysplasia - osteopenia syndrome. Also called: Hamamy syndrome. Identifiers: Orphanet 314555, MedGen C1970027, MONDO:0012634, OMIM 611174.

Submission:

Baylor Genetics
Classification: Pathogenic for Craniofacial dysplasia - osteopenia syndrome. Last evaluated: 2016-05-01. Review status: no assertion criteria provided. Collection method: clinical testing. Allele origin: paternal, germline. Inheritance: Autosomal recessive inheritance. Affected: yes.